The following is an entry in ClinVar:

NM_003011.4(SET):c.654G>A (p.Gln218=)

Gene: SET (SET nuclear proto-oncogene; plus strand). Cytogenetic location: 9q34.11.
Variant type: single nucleotide variant.
Coding change: c.654G>A on transcript NM_003011.4 (MANE Select); coding-DNA position 654, G replaced by A.
Protein change: p.Gln218=; no amino-acid change (glutamine 218 retained).
Molecular consequence: synonymous variant.
Genome position (GRCh38, 1-based): chr9:128,693,799, G>A. VCF-style: chr9-128693799-G-A. GRCh37 (hg19) VCF-style: chr9-131456078-G-A.
Other names: c.693G>A, p.Gln231= (NM_001122821.2, NM_001374326.1); c.627G>A, p.Gln209= (NM_001248000.2); c.621G>A, p.Gln207= (NM_001248001.2).
Identifiers: ClinVar variation 2673195 (VCV002673195.23), dbSNP rs777172615, ClinGen allele CA5267044.

ClinVar aggregate classification (germline): Likely benign (1 of 4 stars; one submission).

Allele frequency attached by ClinVar (database versions not stated): ExAC 0.00006; gnomAD 0.00001; gnomAD exomes 0.00002; TOPMed 0.00005.
gnomAD v4.1: 25 of 1,612,848 alleles (0.0016%); highest among the groups gnomAD compares: East Asian, 0.049%; no homozygotes.

Submission:

CeGaT Center for Human Genetics Tuebingen
Classification: Likely benign. Last evaluated: 2023-11-01. Review status: criteria provided, single submitter. Criteria: CeGaT Center For Human Genetics Tuebingen Variant Classification Criteria Version 2. Collection method: clinical testing. Allele origin: germline. Affected: yes. Observed: 1 variant allele.
Comment: SET: BP4, BP7